The following is an entry in ClinVar:

NM_199420.4(POLQ):c.6174T>A (p.Asn2058Lys)

Gene: POLQ (DNA polymerase theta; minus strand). Cytogenetic location: 3q13.33.
Variant type: single nucleotide variant.
Coding change: c.6174T>A on transcript NM_199420.4 (MANE Select); coding-DNA position 6174, T replaced by A.
Protein change: p.Asn2058Lys; replaces asparagine 2058 with lysine.
Molecular consequence: missense variant.
Genome position (GRCh38, 1-based): chr3:121,481,609, A>T on the plus strand (T>A on the coding strand, the complement: POLQ is on the minus strand). VCF-style: chr3-121481609-A-T. GRCh37 (hg19) VCF-style: chr3-121200456-A-T.
Other names: short protein forms N2058K.
Identifiers: ClinVar variation 1752021 (VCV001752021.2), dbSNP rs1227983142, ClinGen allele CA354087671.

ClinVar aggregate classification (germline): Uncertain significance (1 of 4 stars; one submission).

Submission:

Ambry Genetics
Classification: Uncertain significance. Last evaluated: 2022-03-20. Review status: criteria provided, single submitter. Criteria: Ambry Variant Classification Scheme 2023. Collection method: clinical testing. Allele origin: germline.
Comment: The p.N2058K variant (also known as c.6174T>A), located in coding exon 19 of the POLQ gene, results from a T to A substitution at nucleotide position 6174. The asparagine at codon 2058 is replaced by lysine, an amino acid with similar properties. This amino acid position is conserved. In addition, this alteration is predicted to be tolerated by in silico analysis. Since supporting evidence is limited at this time, the clinical significance of this alteration remains unclear.